The following is an entry in ClinVar:

ClinVar aggregate classification (germline): Uncertain significance. Review status: criteria provided, multiple submitters, no conflicts (2 of 4 stars). 7 submissions from 7 submitters: Uncertain significance (7). Last evaluated 2025-09-30.

Conditions:
PLEC-related disorder. Also called: PLEC-related disorders; PLEC-related condition.
Autosomal recessive limb-girdle muscular dystrophy type 2Q (LGMDR17). Also called: MUSCULAR DYSTROPHY, LIMB-GIRDLE, AUTOSOMAL RECESSIVE 17. Identifiers: Orphanet 254361, MedGen C3150989, MONDO:0013390, OMIM 613723.
Epidermolysis bullosa simplex with nail dystrophy (EBS5D). Identifiers: MedGen C4225309, MONDO:0014661, OMIM 616487.
Epidermolysis bullosa simplex 5C, with pyloric atresia (EBS5C). Also called: PLEC-Related Epidermolysis Bullosa with Pyloric Atresia; Epidermolysis bullosa simplex with pyloric atresia; PLEC1-Related Epidermolysis Bullosa with Pyloric Atresia. Identifiers: Orphanet 158684, MedGen C2677349, MONDO:0012807, OMIM 612138.
Junctional epidermolysis bullosa with pyloric atresia. Also called: EPIDERMOLYSIS BULLOSA, JUNCTIONAL 5B, WITH PYLORIC ATRESIA; Junctional Epidermolysis Bullosa- Pyloric Atresia Syndrome; APLASIA CUTIS CONGENITA WITH GASTROINTESTINAL ATRESIA; CARMI SYNDROME; EB-PA-ACC; ITGB4-Related Epidermolysis Bullosa with Pyloric Atresia. Identifiers: Orphanet 79403, MedGen C5676875, MONDO:0009183, OMIM 226730.
Epidermolysis bullosa simplex, Ogna type (EBS5A). Also called: Pidermolysis bullosa simplex 5A, Ogna type; EPIDERMOLYSIS BULLOSA SIMPLEX 5A, OGNA TYPE. Identifiers: Orphanet 79401, MedGen C0432317, MONDO:0007555, OMIM 131950.
Epidermolysis bullosa simplex 5B, with muscular dystrophy (EBS5B). Also called: EPIDERMOLYSIS BULLOSA SIMPLEX AND LIMB-GIRDLE MUSCULAR DYSTROPHY; Epidermolysis bullosa simplex with muscular dystrophy. Identifiers: Orphanet 257, MedGen C2931072, MONDO:0009181, OMIM 226670.

Allele frequency attached by ClinVar (database versions not stated): gnomAD 0.00001; TOPMed 0.00001; gnomAD exomes 0.00003 and 0.00007; ExAC 0.00006.
gnomAD v4.1: 45 of 1,594,968 alleles (0.0028%); highest among the groups gnomAD compares: Admixed American, 0.023%; no homozygotes.

Submissions (7):

PreventionGenetics, part of Exact Sciences
Classification: Uncertain significance for PLEC-related condition. Last evaluated: 2025-09-30. Review status: criteria provided, single submitter. Criteria: ACMG Guidelines, 2015. Collection method: clinical testing. Allele origin: germline.
Comment: The PLEC c.4580G>A variant is predicted to result in the amino acid substitution p.Arg1527Gln. To our knowledge, this variant has not been reported in the literature. This variant is reported in 0.032% of alleles in individuals of Latino descent in gnomAD. At this time, the clinical significance of this variant is uncertain due to the absence of conclusive functional and genetic evidence.

Labcorp Genetics (formerly Invitae), Labcorp
Classification: Uncertain significance for Autosomal recessive limb-girdle muscular dystrophy type 2Q; Epidermolysis bullosa simplex, Ogna type; Epidermolysis bullosa simplex with nail dystrophy; Epidermolysis bullosa simplex 5C, with pyloric atresia; Epidermolysis bullosa simplex 5B, with muscular dystrophy. Last evaluated: 2025-07-15. Review status: criteria provided, single submitter. Criteria: Invitae Variant Classification Sherloc (09022015). Collection method: clinical testing. Allele origin: germline.
Comment: This sequence change replaces arginine, which is basic and polar, with glutamine, which is neutral and polar, at codon 1527 of the PLEC protein (p.Arg1527Gln). This variant is present in population databases (rs782344020, gnomAD 0.03%). This variant has not been reported in the literature in individuals affected with PLEC-related conditions. ClinVar contains an entry for this variant (Variation ID: 471590). Invitae Evidence Modeling of protein sequence and biophysical properties (such as structural, functional, and spatial information, amino acid conservation, physicochemical variation, residue mobility, and thermodynamic stability) indicates that this missense variant is not expected to disrupt PLEC protein function with a negative predictive value of 80%. In summary, the available evidence is currently insufficient to determine the role of this variant in disease. Therefore, it has been classified as a Variant of Uncertain Significance.

Athena Diagnostics
Classification: Uncertain significance. Last evaluated: 2025-03-24. Review status: criteria provided, single submitter. Criteria: Athena Diagnostics Criteria. Collection method: clinical testing. Allele origin: unknown.
Comment: Available data are insufficient to determine the clinical significance of the variant at this time. The frequency of this variant in the general population is uninformative in assessment of its pathogenicity. Polyphen and MutationTaster yielded discordant predictions regarding whether this amino acid change is damaging to the protein.

Baylor Genetics
Classification: Uncertain significance for Autosomal recessive limb-girdle muscular dystrophy type 2Q. Last evaluated: 2022-05-20. Review status: criteria provided, single submitter. Criteria: ACMG Guidelines, 2015. Collection method: clinical testing. Allele origin: unknown.

Revvity Omics, Revvity
Classification: Uncertain significance. Last evaluated: 2021-06-01. Review status: criteria provided, single submitter. Criteria: ACMG Guidelines, 2015. Collection method: clinical testing. Allele origin: germline.

Fulgent Genetics
Classification: Uncertain significance for Epidermolysis bullosa simplex, Ogna type; Epidermolysis bullosa simplex 5B, with muscular dystrophy; Junctional epidermolysis bullosa with pyloric atresia; Epidermolysis bullosa simplex 5C, with pyloric atresia; Autosomal recessive limb-girdle muscular dystrophy type 2Q; Epidermolysis bullosa simplex with nail dystrophy. Last evaluated: 2018-10-31. Review status: criteria provided, single submitter. Criteria: ACMG Guidelines, 2015. Collection method: clinical testing. Allele origin: unknown.

Eurofins Ntd Llc (ga)
Classification: Uncertain significance. Last evaluated: 2018-03-05. Review status: criteria provided, single submitter. Criteria: EGL ClinVar v180209 classification definitions. Collection method: clinical testing. Allele origin: germline. Observed: 1 variant allele, 1 heterozygote.

NM_201384.3(PLEC):c.4499G>A (p.Arg1500Gln)

Gene: PLEC (plectin; minus strand). Cytogenetic location: 8q24.3.
Variant type: single nucleotide variant.
Coding change: c.4499G>A on transcript NM_201384.3 (MANE Select); coding-DNA position 4499, G replaced by A.
Protein change: p.Arg1500Gln; replaces arginine 1500 with glutamine.
Molecular consequence: missense variant.
Genome position (GRCh38, 1-based): chr8:143,925,430, C>T on the plus strand (G>A on the coding strand, the complement: PLEC is on the minus strand). VCF-style: chr8-143925430-C-T. GRCh37 (hg19) VCF-style: chr8-144999598-C-T.
Other names: c.4580G>A, p.Arg1527Gln (NM_000445.5); c.4457G>A, p.Arg1486Gln (NM_201378.4); c.4433G>A, p.Arg1478Gln (NM_201379.3); c.4910G>A, p.Arg1637Gln (NM_201380.4); c.4403G>A, p.Arg1468Gln (NM_201381.3); c.4499G>A, p.Arg1500Gln (NM_201382.4); c.4511G>A, p.Arg1504Gln (NM_201383.3); c.4580G>A (NM_000445.3); short protein forms R1478Q, R1486Q, R1527Q, R1468Q, R1500Q, R1504Q, R1637Q.
Identifiers: ClinVar variation 471590 (VCV000471590.18), dbSNP rs782344020, ClinGen allele CA4926637.